The following is an entry in ClinVar:

NM_000083.3(CLCN1):c.774+170G>A

Gene: CLCN1 (chloride voltage-gated channel 1; plus strand). Cytogenetic location: 7q34.
Variant type: single nucleotide variant.
Coding change: c.774+170G>A on transcript NM_000083.3 (MANE Select); 170 bases into the intron after coding-DNA position 774, G replaced by A.
Molecular consequence: intron variant.
Genome position (GRCh38, 1-based): chr7:143,323,556, G>A. VCF-style: chr7-143323556-G-A. GRCh37 (hg19) VCF-style: chr7-143020649-G-A.
Identifiers: ClinVar variation 679908 (VCV000679908.2), dbSNP rs2272256, ClinGen allele CA4537093.

ClinVar aggregate classification (germline): Benign. Review status: criteria provided, multiple submitters, no conflicts (2 of 4 stars). 2 submissions from 2 submitters: Benign (2). Last evaluated 2018-06-14.

Allele frequency attached by ClinVar (database versions not stated): 1000 Genomes Project 30x 0.19379; 1000 Genomes Project 0.19748; gnomAD exomes 0.19767 and 0.21010; gnomAD 0.22030 and 0.22335; TOPMed 0.22335; ExAC 0.23151.
gnomAD v4.1: 150,984 of 709,302 alleles (21%); highest among the groups gnomAD compares: Middle Eastern, 28%; 16,698 homozygotes.

Submissions (2):

GeneDx
Classification: Benign. Last evaluated: 2018-06-14. Review status: criteria provided, single submitter. Criteria: GeneDx Variant Classification (06012015). Collection method: clinical testing. Allele origin: germline. Affected: yes.
Comment: This variant is considered likely benign or benign based on one or more of the following criteria: it is a conservative change, it occurs at a poorly conserved position in the protein, it is predicted to be benign by multiple in silico algorithms, and/or has population frequency not consistent with disease.

Breakthrough Genomics
Classification: Benign. Review status: criteria provided, single submitter. Criteria: ACMG Guidelines, 2015. Collection method: not provided. Allele origin: germline. Inheritance: Autosomal recessive inheritance. Affected: yes.